The following is an entry in ClinVar:

ClinVar aggregate classification (germline): Likely benign (1 of 4 stars; one submission).

Conditions:
SDCCAG8-related disorder. Also called: SDCCAG8-Related Disorders; SDCCAG8-related condition.

gnomAD v4.1: 2 of 1,613,948 alleles (0.00012%); highest among the groups gnomAD compares: Non-Finnish European, 0.00017%; no homozygotes.

Submission:

PreventionGenetics, part of Exact Sciences
Classification: Likely benign for SDCCAG8-related condition. Last evaluated: 2025-06-12. Review status: criteria provided, single submitter. Criteria: ACMG Guidelines, 2015. Collection method: clinical testing. Allele origin: germline.
Comment: This variant is classified as likely benign based on ACMG/AMP sequence variant interpretation guidelines (Richards et al. 2015 PMID: 25741868, with internal and published modifications).

NM_006642.5(SDCCAG8):c.615A>C (p.Pro205=)

Gene: SDCCAG8 (SHH signaling and ciliogenesis regulator SDCCAG8; plus strand). Cytogenetic location: 1q43.
Variant type: single nucleotide variant.
Coding change: c.615A>C on transcript NM_006642.5 (MANE Select); coding-DNA position 615, A replaced by C.
Protein change: p.Pro205=; no amino-acid change (proline 205 retained).
Molecular consequence: synonymous variant. On other transcripts: 5 prime UTR variant (3).
Genome position (GRCh38, 1-based): chr1:243,293,159, A>C. VCF-style: chr1-243293159-A-C. GRCh37 (hg19) VCF-style: chr1-243456461-A-C.
Other names: c.-498A>C (NM_001350246.2); c.-386A>C (NM_001350247.2); c.615A>C, p.Pro205= (NM_001350248.2); c.321A>C, p.Pro107= (NM_001350249.2); c.-759A>C (NM_001350251.2).
Identifiers: ClinVar variation 4997592 (VCV004997592.1).
Genomic context (GRCh38, chr1:243,293,159, plus strand): 5'-GCACAATTCTTGGATTACAACAGGTGAAGATTCTGGGGTGGGCGAAACCTCCAAAAGACC[A>C]TTTTCCCATGACAATGCAGATTTTGGCAAAGCTGCATCTGCTGGTGAGCAGCTAGAACTG-3'
Protein context (NP_006633.1, residues 195-215): DSGVGETSKR[Pro205=]FSHDNADFGK